The following is an entry in ClinVar:

NM_004370.6(COL12A1):c.946G>A (p.Val316Met)

Gene: COL12A1 (collagen type XII alpha 1 chain; minus strand). Cytogenetic location: 6q13.
Variant type: single nucleotide variant.
Coding change: c.946G>A on transcript NM_004370.6 (MANE Select); coding-DNA position 946, G replaced by A.
Protein change: p.Val316Met; replaces valine 316 with methionine.
Molecular consequence: missense variant. On other transcripts: intron variant (2).
Genome position (GRCh38, 1-based): chr6:75,188,413, C>T on the plus strand (G>A on the coding strand, the complement: COL12A1 is on the minus strand). VCF-style: chr6-75188413-C-T. GRCh37 (hg19) VCF-style: chr6-75898129-C-T.
Other names: c.946G>A, p.Val316Met (NM_001424113.1, NM_001424114.1, NM_001424115.1); c.73+14307G>A (NM_001424116.1, NM_080645.3); short protein forms V316M.
Identifiers: ClinVar variation 2952433 (VCV002952433.3), dbSNP rs2533595821, ClinGen allele CA364727492.
Genomic context (GRCh38, chr6:75,188,413, plus strand): 5'-TCTACTCACCTTCTTCTCCACTAACCAATTCACCAAGTTGTTCATCAACACCTGAGCACA[C>T]CTGGGAGATGATCTCATTCTGAATATCCACAATTGCATCAAAGTTGGCCACATTGAAAAC-3'
Protein context (NP_004361.3, residues 306-326): VDIQNEIISQ[Val316Met]CSGVDEQLGE

ClinVar aggregate classification (germline): Uncertain significance (1 of 4 stars; one submission).

Conditions:
Ullrich congenital muscular dystrophy 2 (UCMD2). Identifiers: Orphanet 75840, MedGen C4225314, MONDO:0014654, OMIM 616470.
Bethlem myopathy 2 (BTHLM2). Identifiers: Orphanet 536516, Orphanet 610, MedGen C4225313, MONDO:0034022, OMIM 616471.

Submission:

Labcorp Genetics (formerly Invitae), Labcorp
Classification: Uncertain significance for Bethlem myopathy 2; Ullrich congenital muscular dystrophy 2. Last evaluated: 2023-10-03. Review status: criteria provided, single submitter. Criteria: Invitae Variant Classification Sherloc (09022015). Collection method: clinical testing. Allele origin: germline.
Comment: This sequence change replaces valine, which is neutral and non-polar, with methionine, which is neutral and non-polar, at codon 316 of the COL12A1 protein (p.Val316Met). This variant is not present in population databases (gnomAD no frequency). This variant has not been reported in the literature in individuals affected with COL12A1-related conditions. Advanced modeling of protein sequence and biophysical properties (such as structural, functional, and spatial information, amino acid conservation, physicochemical variation, residue mobility, and thermodynamic stability) performed at Invitae indicates that this missense variant is not expected to disrupt COL12A1 protein function. In summary, the available evidence is currently insufficient to determine the role of this variant in disease. Therefore, it has been classified as a Variant of Uncertain Significance.